The following is an entry in ClinVar:

NM_002181.4(IHH):c.647C>T (p.Ala216Val)

Gene: IHH (Indian hedgehog signaling molecule; minus strand). Cytogenetic location: 2q35.
Variant type: single nucleotide variant.
Coding change: c.647C>T on transcript NM_002181.4 (MANE Select); coding-DNA position 647, C replaced by T.
Protein change: p.Ala216Val; replaces alanine 216 with valine.
Molecular consequence: missense variant.
Genome position (GRCh38, 1-based): chr2:219,055,796, G>A on the plus strand (C>T on the coding strand, the complement: IHH is on the minus strand). VCF-style: chr2-219055796-G-A. GRCh37 (hg19) VCF-style: chr2-219920518-G-A.
Other names: short protein forms A216V.
Identifiers: ClinVar variation 1311641 (VCV001311641.7), dbSNP rs142245478, ClinGen allele CA2116645.

ClinVar aggregate classification (germline): Uncertain significance. Review status: criteria provided, multiple submitters, no conflicts (2 of 4 stars). 2 submissions from 2 submitters: Uncertain significance (2). Last evaluated 2026-01-31.

Allele frequency attached by ClinVar (database versions not stated): ExAC 0.00014; gnomAD exomes 0.00018; TOPMed 0.00022; ESP Exome Variant Server 0.00023.
gnomAD v4.1: 677 of 1,612,930 alleles (0.042%); highest among the groups gnomAD compares: Non-Finnish European, 0.052%; no homozygotes.

Submissions (2):

Labcorp Genetics (formerly Invitae), Labcorp
Classification: Uncertain significance. Last evaluated: 2026-01-31. Review status: criteria provided, single submitter. Criteria: Invitae Variant Classification Sherloc (09022015). Collection method: clinical testing. Allele origin: germline.
Comment: This sequence change replaces alanine, which is neutral and non-polar, with valine, which is neutral and non-polar, at codon 216 of the IHH protein (p.Ala216Val). This variant is present in population databases (rs142245478, gnomAD 0.03%). This missense change has been observed in individual(s) with polydactyly (PMID: 34194672). ClinVar contains an entry for this variant (Variation ID: 1311641). Invitae Evidence Modeling of protein sequence and biophysical properties (such as structural, functional, and spatial information, amino acid conservation, physicochemical variation, residue mobility, and thermodynamic stability) indicates that this missense variant is not expected to disrupt IHH protein function with a negative predictive value of 80%. In summary, the available evidence is currently insufficient to determine the role of this variant in disease. Therefore, it has been classified as a Variant of Uncertain Significance.

GeneDx
Classification: Uncertain significance. Last evaluated: 2020-01-31. Review status: criteria provided, single submitter. Criteria: GeneDx Variant Classification Process June 2021. Collection method: clinical testing. Allele origin: germline. Affected: yes.
Comment: In silico analysis supports that this missense variant does not alter protein structure/function; Has not been previously published as pathogenic or benign to our knowledge

Literature cited by the submitters: PubMed 34194672 (cited by Labcorp Genetics (formerly Invitae), Labcorp).